The following is an entry in ClinVar:

ClinVar aggregate classification (germline): Benign (3 of 4 stars; one submission).

Conditions:
Breast-ovarian cancer, familial, susceptibility to, 2 (BROVCA2). Also called: BRCA2 Hereditary Breast and Ovarian Cancer. Identifiers: Orphanet 145, MedGen C2675520, MONDO:0012933, OMIM 612555. Disease mechanism: loss of function.

Allele frequency attached by ClinVar (database versions not stated): gnomAD 0.00607 and 0.00664; 1000 Genomes Project 0.00619; TOPMed 0.00641; 1000 Genomes Project 30x 0.00656.
gnomAD v4.1: 910 of 151,832 alleles (0.6%); highest among the groups gnomAD compares: African/African-American, 2.1%; 9 homozygotes.

Submission:

Evidence-based Network for the Interpretation of Germline Mutant Alleles (ENIGMA)
Classification: Benign for Breast-ovarian cancer, familial, susceptibility to, 2. Last evaluated: 2016-09-28. Review status: reviewed by expert panel. Criteria: ENIGMA BRCA1/2 Classification Criteria (2015). Collection method: curation. Allele origin: germline.
Comment: Class 1 not pathogenic based on frequency >1% in an outbred sampleset. Frequency 0.0227 (African), derived from 1000 genomes (2013-05-02).

NM_000059.4(BRCA2):c.426-405A>G

Gene: BRCA2 (BRCA2 DNA repair associated; plus strand). Cytogenetic location: 13q13.1.
Variant type: single nucleotide variant.
Coding change: c.426-405A>G on transcript NM_000059.4 (MANE Select); 405 bases into the intron before coding-DNA position 426, A replaced by G.
Molecular consequence: intron variant.
Genome position (GRCh38, 1-based): chr13:32,325,696, A>G. VCF-style: chr13-32325696-A-G. GRCh37 (hg19) VCF-style: chr13-32899833-A-G.
Identifiers: ClinVar variation 264980 (VCV000264980.1), dbSNP rs11571617, ClinGen allele CA10588079.